The following is an entry in ClinVar:

NM_018180.3(DHX32):c.741C>A (p.Tyr247Ter)

Gene: DHX32 (DEAH-box helicase 32 (putative); minus strand). Cytogenetic location: 10q26.2.
Variant type: single nucleotide variant.
Coding change: c.741C>A on transcript NM_018180.3 (MANE Select); coding-DNA position 741, C replaced by A.
Protein change: p.Tyr247Ter; replaces tyrosine 247 with a stop codon.
Molecular consequence: nonsense.
Genome position (GRCh38, 1-based): chr10:125,859,711, G>T on the plus strand (C>A on the coding strand, the complement: DHX32 is on the minus strand). VCF-style: chr10-125859711-G-T. GRCh37 (hg19) VCF-style: chr10-127548280-G-T.
Other names: short protein forms Y247*.
Identifiers: ClinVar variation 2087107 (VCV002087107.4), dbSNP rs976779141, ClinGen allele CA378678357.

ClinVar aggregate classification (germline): Uncertain significance (1 of 4 stars; one submission).

Submission:

Labcorp Genetics (formerly Invitae), Labcorp
Classification: Uncertain significance. Last evaluated: 2025-02-10. Review status: criteria provided, single submitter. Criteria: Invitae Variant Classification Sherloc (09022015). Collection method: clinical testing. Allele origin: germline.
Comment: This sequence change creates a premature translational stop signal (p.Tyr247*) in the DHX32 gene. It is expected to result in an absent or disrupted protein product. However, the current clinical and genetic evidence is not sufficient to establish whether loss-of-function variants in DHX32 cause disease. This variant is not present in population databases (gnomAD no frequency). This variant has not been reported in the literature in individuals affected with DHX32-related conditions. ClinVar contains an entry for this variant (Variation ID: 2087107). In summary, the available evidence is currently insufficient to determine the role of this variant in disease. Therefore, it has been classified as a Variant of Uncertain Significance.